The following is an entry in ClinVar:

NM_006885.4(ZFHX3):c.1282A>C (p.Thr428Pro)

Gene: ZFHX3 (zinc finger homeobox 3; minus strand). Cytogenetic location: 16q22.3.
Variant type: single nucleotide variant.
Coding change: c.1282A>C on transcript NM_006885.4 (MANE Select); coding-DNA position 1282, A replaced by C.
Protein change: p.Thr428Pro; replaces threonine 428 with proline.
Molecular consequence: missense variant. On other transcripts: intron variant (1).
Genome position (GRCh38, 1-based): chr16:72,958,864, T>G on the plus strand (A>C on the coding strand, the complement: ZFHX3 is on the minus strand). VCF-style: chr16-72958864-T-G. GRCh37 (hg19) VCF-style: chr16-72992763-T-G.
Other names: c.1282A>C, p.Thr428Pro (NM_001386735.1); c.-23-7899A>C (NM_001164766.2); short protein forms T428P.
Identifiers: ClinVar variation 3059393 (VCV003059393.2), dbSNP rs16971436, ClinGen allele CA8164778.

ClinVar aggregate classification (germline): Benign (0 of 4 stars; one submission).

Conditions:
ZFHX3-related disorder. Also called: ZFHX3-related condition.

Allele frequency attached by ClinVar (database versions not stated): ESP Exome Variant Server 0.04244; 1000 Genomes Project 0.09605; 1000 Genomes Project 30x 0.09916.
gnomAD v4.1: 49,416 of 1,613,332 alleles (3.1%); highest among the groups gnomAD compares: Admixed American, 26%; 3,457 homozygotes.

Submission:

PreventionGenetics, part of Exact Sciences
Classification: Benign for ZFHX3-related condition. Last evaluated: 2019-06-06. Review status: no assertion criteria provided. Collection method: clinical testing. Allele origin: germline.
Comment: This variant is classified as benign based on ACMG/AMP sequence variant interpretation guidelines (Richards et al. 2015 PMID: 25741868, with internal and published modifications).